The following is an entry in ClinVar:

ClinVar aggregate classification (germline): Uncertain significance (1 of 4 stars; one submission).

Conditions:
Cardiovascular phenotype. Identifiers: MedGen CN230736.

Allele frequency attached by ClinVar (database versions not stated): ExAC 0.00001.

Submission:

Ambry Genetics
Classification: Uncertain significance for Cardiovascular phenotype. Last evaluated: 2019-11-04. Review status: criteria provided, single submitter. Criteria: Ambry Variant Classification Scheme 2023. Collection method: clinical testing. Allele origin: germline.
Comment: The p.N404K variant (also known as c.1212C>A), located in coding exon 9 of the SCN10A gene, results from a C to A substitution at nucleotide position 1212. The asparagine at codon 404 is replaced by lysine, an amino acid with similar properties. This amino acid position is well conserved in available vertebrate species. In addition, this alteration is predicted to be tolerated by in silico analysis. Since supporting evidence is limited at this time, the clinical significance of this alteration remains unclear.

NM_006514.4(SCN10A):c.1212C>A (p.Asn404Lys)

Gene: SCN10A (sodium voltage-gated channel alpha subunit 10; minus strand). Cytogenetic location: 3p22.2.
Variant type: single nucleotide variant.
Coding change: c.1212C>A on transcript NM_006514.4 (MANE Select); coding-DNA position 1212, C replaced by A.
Protein change: p.Asn404Lys; replaces asparagine 404 with lysine.
Molecular consequence: missense variant.
Genome position (GRCh38, 1-based): chr3:38,756,752, G>T on the plus strand (C>A on the coding strand, the complement: SCN10A is on the minus strand). VCF-style: chr3-38756752-G-T. GRCh37 (hg19) VCF-style: chr3-38798243-G-T.
Other names: c.1212C>A, p.Asn404Lys (NM_001293306.2, NM_001293307.2); short protein forms N404K.
Identifiers: ClinVar variation 1750630 (VCV001750630.2), dbSNP rs769871282, ClinGen allele CA2320939.